The following is an entry in ClinVar:

ClinVar aggregate classification (germline): Uncertain significance (1 of 4 stars; one submission).

Conditions:
Inborn genetic diseases. Identifiers: MedGen C0950123, MeSH D030342.

gnomAD v4.1: 1 of 1,614,112 alleles (0.000062%); highest among the groups gnomAD compares: Non-Finnish European, 0.000085%; no homozygotes.

Submission:

Ambry Genetics
Classification: Uncertain significance for Inborn genetic diseases. Last evaluated: 2020-09-09. Review status: criteria provided, single submitter. Criteria: Ambry Variant Classification Scheme 2023. Collection method: clinical testing. Allele origin: germline.
Comment: The p.R334L variant (also known as c.1001G>T), located in coding exon 7 of the MAN1B1 gene, results from a G to T substitution at nucleotide position 1001. The arginine at codon 334 is replaced by leucine, an amino acid with dissimilar properties. This amino acid position is highly conserved in available vertebrate species. In addition, this alteration is predicted to be deleterious by in silico analysis. Since supporting evidence is limited at this time, the clinical significance of this alteration remains unclear.

NM_016219.5(MAN1B1):c.1001G>T (p.Arg334Leu)

Gene: MAN1B1 (mannosidase alpha class 1B member 1; plus strand). Cytogenetic location: 9q34.3.
Variant type: single nucleotide variant.
Coding change: c.1001G>T on transcript NM_016219.5 (MANE Select); coding-DNA position 1001, G replaced by T.
Protein change: p.Arg334Leu; replaces arginine 334 with leucine.
Molecular consequence: missense variant. On other transcripts: non-coding transcript variant (2).
Genome position (GRCh38, 1-based): chr9:137,101,089, G>T. VCF-style: chr9-137101089-G-T. GRCh37 (hg19) VCF-style: chr9-139995541-G-T.
Other names: c.893G>T, p.Arg298Leu (NM_007230.1); short protein forms R298L, R334L.
Identifiers: ClinVar variation 1769680 (VCV001769680.2), dbSNP rs1476136894, ClinGen allele CA375650138.